The following is an entry in ClinVar:

ClinVar aggregate classification (germline): Uncertain significance (1 of 4 stars; one submission).

Submission:

GeneDx
Classification: Uncertain significance. Last evaluated: 2025-03-11. Review status: criteria provided, single submitter. Criteria: GeneDx Variant Classification Process June 2021. Collection method: clinical testing. Allele origin: germline. Affected: yes.
Comment: Not observed at significant frequency in large population cohorts (gnomAD); In silico analysis supports that this missense variant has a deleterious effect on protein structure/function; Has not been previously published as pathogenic or benign to our knowledge

NM_032108.4(SEMA6B):c.1208C>T (p.Pro403Leu)

Gene: SEMA6B (semaphorin 6B; minus strand). Cytogenetic location: 19p13.3.
Variant type: single nucleotide variant.
Coding change: c.1208C>T on transcript NM_032108.4 (MANE Select); coding-DNA position 1208, C replaced by T.
Protein change: p.Pro403Leu; replaces proline 403 with leucine.
Molecular consequence: missense variant.
Genome position (GRCh38, 1-based): chr19:4,550,186, G>A on the plus strand (C>T on the coding strand, the complement: SEMA6B is on the minus strand). VCF-style: chr19-4550186-G-A. GRCh37 (hg19) VCF-style: chr19-4550198-G-A.
Other names: short protein forms P403L.
Identifiers: ClinVar variation 4082965 (VCV004082965.1).